The following is an entry in ClinVar:

NC_012920.1(MT-TT):m.15915G>A

Gene: MT-TT (mitochondrially encoded tRNA threonine; plus strand).
Variant type: single nucleotide variant.
Genome position: chrM-15915-G-A.
Identifiers: ClinVar variation 690233 (VCV000690233.2), dbSNP rs1603225588, ClinGen allele CA913175191.

ClinVar aggregate classification (germline): Uncertain significance. Review status: reviewed by expert panel (3 of 4 stars). 2 submissions from 2 submitters: Uncertain significance (1). 1 of the submissions does not count toward it. Last evaluated 2024-03-26.

Conditions:
Mitochondrial disease. Also called: Mitochondrial disorder; Mitochondrial disorders. Identifiers: Orphanet 68380, MedGen C0751651, MeSH D028361, MONDO:0044970.
MELAS syndrome (MELAS). Also called: Juvenile myopathy, encephalopathy, lactic acidosis, stroke. Identifiers: Orphanet 550, MedGen C0162671, MONDO:0010789, OMIM 540000.

Submissions (2):

ClinGen Mitochondrial Disease Nuclear and Mitochondrial  Variant Curation Expert Panel, ClinGen
Classification: Uncertain significance for Mitochondrial disease. Last evaluated: 2024-03-26. Review status: reviewed by expert panel. Criteria: clingen mito disease acmg specifications v1-1. Collection method: curation. Allele origin: germline. Inheritance: Mitochondrial inheritance.
Comment: The m.15915G>A variant in MT-TT has been reported in one individual with primary mitochondrial disease (PMID: 8769114). This individual had myopathy, muscle wasting, seizures, myoclonus, headaches, vomiting, progressive hearing loss, cataracts, hypogonadism, and short stature. Brain imaging showed diffuse cerebellar and cerebral atrophy and calcifications in putamen, globus pallidus, caudate head, and dentate nucleus. Muscle biopsy showed moderate variation in fiber size, marked type 2B fiber atrophy, few ragged red fibers, focal COX deficiency, and some SDH-reactive blood vessels. The variant was present at 74% heteroplasmy in muscle, 32% in fibroblasts, and 18% in blood. This variant is absent in the MITOMAP GenBank sequences and gnomAD v3.1.2, and there is one heteroplasmic occurrence in the Helix dataset (PM2_supporting). MitoTIP predicts the variant is possible pathogenic (73.7 percentile) and HmtVAR predicts the variant is pathogenic (0.55, PP3). Functional characterization of the mutant tRNA suggest the variant changes the tRNA conformation, reduces the stability of the tRNA, reduces charging capacity of the tRNA, and affects modification of the tRNA (PMID: 29648639, PS3_supporting). In summary, this variant meets criteria to be classified as uncertain significance for primary mitochondrial disease inherited in a mitochondrial manner. This classification was approved by the NICHD/NINDS U24 ClinGen Mitochondrial Disease Variant Curation Expert Panel on March 26, 2024. Mitochondrial DNA-specific ACMG/AMP criteria applied (PMID: 32906214): PM2_supporting, PP3, PS3_supporting.

Wong Mito Lab, Molecular and Human Genetics, Baylor College of Medicine
Classification: Pathogenic for MELAS syndrome. Last evaluated: 2019-07-12. Review status: criteria provided, single submitter. Criteria: Modified ACMG Guidelines (Unpublished). Collection method: clinical testing. Allele origin: germline. Not counted in ClinVar's aggregate classification.
Comment: The NC_012920.1:m.15915G>A variant in MT-TT gene is interpreted to be a Pathogenic variant based on the modified ACMG guidelines (unpublished). This variant meets the following evidence codes reported in the guidelines: PS5, PM7, PM8, PM9, PM10

Literature cited by the submitters: PubMed 29648639 (cited by ClinGen Mitochondrial Disease Nuclear and Mitochondrial  Variant Curation Expert Panel, ClinGen); PubMed 31965079 (cited by Wong Mito Lab, Molecular and Human Genetics, Baylor College of Medicine); PubMed 8769114 (cited by Wong Mito Lab, Molecular and Human Genetics, Baylor College of Medicine).